The following is an entry in ClinVar:

NM_004174.4(SLC9A3):c.1856C>G (p.Thr619Arg)

Genes: SLC9A3 (solute carrier family 9 member A3), SLC9A3-AS1 (SLC9A3 antisense RNA 1; plus strand). Cytogenetic location: 5p15.33.
Variant type: single nucleotide variant.
Coding change: c.1856C>G on transcript NM_004174.4 (MANE Select); coding-DNA position 1856, C replaced by G.
Protein change: p.Thr619Arg; replaces threonine 619 with arginine.
Molecular consequence: missense variant.
Genome position (GRCh38, 1-based): chr5:476,577, G>C on the plus strand (C>G on the coding strand, the complement: SLC9A3 is on the minus strand). VCF-style: chr5-476577-G-C. GRCh37 (hg19) VCF-style: chr5-476692-G-C.
Other names: c.1829C>G, p.Thr610Arg (NM_001284351.3); short protein forms T619R, T610R.
Identifiers: ClinVar variation 1489691 (VCV001489691.5), dbSNP rs140444435, ClinGen allele CA359025738.
Genomic context (GRCh38, chr5:476,577, plus strand): 5'-TCCAGCCCCCAGCCCGCAGTGCCCACCTCCTGCCGCGGCTTGTACAGGTACTGCTGTAGC[G>C]TGTGGTGCGTGACCATGTCCTCCGCGTCCCGGATGCTCCGCCGTCGCTGCTCCAGAGACT-3'
Protein context (NP_004165.2, residues 609-629): RDAEDMVTHH[Thr619Arg]LQQYLYKPRQ

ClinVar aggregate classification (germline): Uncertain significance (1 of 4 stars; one submission).

Submission:

Labcorp Genetics (formerly Invitae), Labcorp
Classification: Uncertain significance. Last evaluated: 2022-05-21. Review status: criteria provided, single submitter. Criteria: Invitae Variant Classification Sherloc (09022015). Collection method: clinical testing. Allele origin: germline.
Comment: This sequence change replaces threonine, which is neutral and polar, with arginine, which is basic and polar, at codon 619 of the SLC9A3 protein (p.Thr619Arg). This variant is present in population databases (no rsID available, gnomAD 0.002%). This variant has not been reported in the literature in individuals affected with SLC9A3-related conditions. Algorithms developed to predict the effect of missense changes on protein structure and function are either unavailable or do not agree on the potential impact of this missense change (SIFT: "Not Available"; PolyPhen-2: "Possibly Damaging"; Align-GVGD: "Not Available"). In summary, the available evidence is currently insufficient to determine the role of this variant in disease. Therefore, it has been classified as a Variant of Uncertain Significance.